The following is an entry in ClinVar:

NM_198503.5(KCNT2):c.3250C>T (p.Leu1084=)

Gene: KCNT2 (potassium sodium-activated channel subfamily T member 2; minus strand). Cytogenetic location: 1q31.3.
Variant type: single nucleotide variant.
Coding change: c.3250C>T on transcript NM_198503.5 (MANE Select); coding-DNA position 3250, C replaced by T.
Protein change: p.Leu1084=; no amino-acid change (leucine 1084 retained).
Molecular consequence: synonymous variant. On other transcripts: non-coding transcript variant (2).
Genome position (GRCh38, 1-based): chr1:196,236,032, G>A on the plus strand (C>T on the coding strand, the complement: KCNT2 is on the minus strand). VCF-style: chr1-196236032-G-A. GRCh37 (hg19) VCF-style: chr1-196205162-G-A.
Other names: c.3178C>T, p.Leu1060= (NM_001287819.3); c.3049C>T, p.Leu1017= (NM_001287820.3).
Identifiers: ClinVar variation 3048030 (VCV003048030.2), dbSNP rs538439492, ClinGen allele CA1303960.

ClinVar aggregate classification (germline): Likely benign (0 of 4 stars; one submission).

Conditions:
KCNT2-related disorder. Also called: KCNT2-related condition. Identifiers: MedGen CN236796.

Allele frequency attached by ClinVar (database versions not stated): TOPMed 0.00002; gnomAD 0.00010; gnomAD exomes 0.00016; 1000 Genomes Project 30x 0.00031; 1000 Genomes Project 0.00040; ExAC 0.00040.
gnomAD v4.1: 247 of 1,603,966 alleles (0.015%); highest among the groups gnomAD compares: South Asian, 0.25%; 1 homozygote.

Submission:

PreventionGenetics, part of Exact Sciences
Classification: Likely benign for KCNT2-related condition. Last evaluated: 2019-11-16. Review status: no assertion criteria provided. Collection method: clinical testing. Allele origin: germline.
Comment: This variant is classified as likely benign based on ACMG/AMP sequence variant interpretation guidelines (Richards et al. 2015 PMID: 25741868, with internal and published modifications).